The following is an entry in ClinVar:

NM_000164.4(GIPR):c.280+273A>C

Gene: GIPR (gastric inhibitory polypeptide receptor; plus strand). Cytogenetic location: 19q13.32.
Variant type: single nucleotide variant.
Coding change: c.280+273A>C on transcript NM_000164.4 (MANE Select); 273 bases into the intron after coding-DNA position 280, A replaced by C.
Molecular consequence: intron variant.
Genome position (GRCh38, 1-based): chr19:45,671,665, A>C. VCF-style: chr19-45671665-A-C. GRCh37 (hg19) VCF-style: chr19-46174923-A-C.
Other names: c.172+931A>C (NM_001308418.2).
Identifiers: ClinVar variation 3257155 (VCV003257155.17).

ClinVar aggregate classification (germline): Benign (1 of 4 stars; one submission).

gnomAD v4.1: 655 of 152,100 alleles (0.43%); highest among the groups gnomAD compares: African/African-American, 1.5%; 4 homozygotes.

Submission:

CeGaT Center for Human Genetics Tuebingen
Classification: Benign. Last evaluated: 2024-07-01. Review status: criteria provided, single submitter. Criteria: CeGaT Center For Human Genetics Tuebingen Variant Classification Criteria Version 2. Collection method: clinical testing. Allele origin: germline. Affected: yes. Observed: 1 variant allele.
Comment: GIPR: BS1, BS2